The following is an entry in ClinVar:

NM_001122630.2(CDKN1C):c.616G>T (p.Asp206Tyr)

Gene: CDKN1C (cyclin dependent kinase inhibitor 1C; minus strand). Cytogenetic location: 11p15.4.
Variant type: single nucleotide variant.
Coding change: c.616G>T on transcript NM_001122630.2 (MANE Select); coding-DNA position 616, G replaced by T.
Protein change: p.Asp206Tyr; replaces aspartic acid 206 with tyrosine.
Molecular consequence: missense variant. On other transcripts: intron variant (1).
Genome position (GRCh38, 1-based): chr11:2,884,841, C>A on the plus strand (G>T on the coding strand, the complement: CDKN1C is on the minus strand). VCF-style: chr11-2884841-C-A. GRCh37 (hg19) VCF-style: chr11-2906071-C-A.
Other names: c.649G>T, p.Asp217Tyr (NM_000076.2, NM_001362474.2); c.616G>T, p.Asp206Tyr (NM_001122631.2); c.255+361G>T (NM_001362475.2); short protein forms D206Y, D217Y.
Identifiers: ClinVar variation 2719630 (VCV002719630.3), dbSNP rs2494384988, ClinGen allele CA379146091.

ClinVar aggregate classification (germline): Uncertain significance (1 of 4 stars; one submission).

Conditions:
Beckwith-Wiedemann syndrome (BWS). Also called: Exomphalos macroglossia gigantism syndrome; EMG SYNDROME. Identifiers: Orphanet 116, MedGen C0004903, MONDO:0007534, OMIM 130650.

Submission:

Labcorp Genetics (formerly Invitae), Labcorp
Classification: Uncertain significance for Beckwith-Wiedemann syndrome. Last evaluated: 2023-06-20. Review status: criteria provided, single submitter. Criteria: Invitae Variant Classification Sherloc (09022015). Collection method: clinical testing. Allele origin: germline.
Comment: This sequence change replaces aspartic acid, which is acidic and polar, with tyrosine, which is neutral and polar, at codon 217 of the CDKN1C protein (p.Asp217Tyr). This variant is not present in population databases (gnomAD no frequency). This variant has not been reported in the literature in individuals affected with CDKN1C-related conditions. Advanced modeling of protein sequence and biophysical properties (such as structural, functional, and spatial information, amino acid conservation, physicochemical variation, residue mobility, and thermodynamic stability) performed at Invitae indicates that this missense variant is not expected to disrupt CDKN1C protein function. In summary, the available evidence is currently insufficient to determine the role of this variant in disease. Therefore, it has been classified as a Variant of Uncertain Significance.